The following is an entry in ClinVar:

ClinVar aggregate classification (germline): Uncertain significance. Review status: criteria provided, multiple submitters, no conflicts (2 of 4 stars). 2 submissions from 2 submitters: Uncertain significance (2). Last evaluated 2025-04-29.

Conditions:
NCOR2-related disorder. Also called: NCOR2-related condition.

Allele frequency attached by ClinVar (database versions not stated): TOPMed 0.00001; gnomAD 0.00003; gnomAD exomes 0.00006; 1000 Genomes Project 30x 0.00016; 1000 Genomes Project 0.00040.
gnomAD v4.1: 72 of 1,331,282 alleles (0.0054%); highest among the groups gnomAD compares: South Asian, 0.0085%; no homozygotes.

Submissions (2):

Ambry Genetics
Classification: Uncertain significance. Last evaluated: 2025-04-29. Review status: criteria provided, single submitter. Criteria: Ambry Variant Classification Scheme 2023. Collection method: clinical testing. Allele origin: germline.

PreventionGenetics, part of Exact Sciences
Classification: Uncertain significance for NCOR2-related condition. Last evaluated: 2023-06-27. Review status: criteria provided, single submitter. Criteria: ACMG Guidelines, 2015. Collection method: clinical testing. Allele origin: germline.
Comment: The NCOR2 c.7400G>A variant is predicted to result in the amino acid substitution p.Arg2467Gln. To our knowledge, this variant has not been reported in the literature. This variant is reported in 0.017% of alleles in individuals of European (Non-Finnish) descent in gnomAD. At this time, the clinical significance of this variant is uncertain due to the absence of conclusive functional and genetic evidence.

NM_006312.6(NCOR2):c.7400G>A (p.Arg2467Gln)

Gene: NCOR2 (nuclear receptor corepressor 2; minus strand). Cytogenetic location: 12q24.31.
Variant type: single nucleotide variant.
Coding change: c.7400G>A on transcript NM_006312.6 (MANE Select); coding-DNA position 7400, G replaced by A.
Protein change: p.Arg2467Gln; replaces arginine 2467 with glutamine.
Molecular consequence: missense variant.
Genome position (GRCh38, 1-based): chr12:124,325,547, C>T on the plus strand (G>A on the coding strand, the complement: NCOR2 is on the minus strand). VCF-style: chr12-124325547-C-T. GRCh37 (hg19) VCF-style: chr12-124810093-C-T.
Other names: c.7232G>A, p.Arg2411Gln (NM_001077261.4); c.7370G>A, p.Arg2457Gln (NM_001206654.2); short protein forms R2411Q, R2457Q, R2467Q.
Identifiers: ClinVar variation 2628878 (VCV002628878.2), dbSNP rs200312114, ClinGen allele CA6867122.